The following is an entry in ClinVar:

NM_005477.3(HCN4):c.3388G>A (p.Gly1130Arg)

Gene: HCN4 (hyperpolarization activated cyclic nucleotide gated potassium channel 4; minus strand). Cytogenetic location: 15q24.1.
Variant type: single nucleotide variant.
Coding change: c.3388G>A on transcript NM_005477.3 (MANE Select); coding-DNA position 3388, G replaced by A.
Protein change: p.Gly1130Arg; replaces glycine 1130 with arginine.
Molecular consequence: missense variant.
Genome position (GRCh38, 1-based): chr15:73,322,705, C>T on the plus strand (G>A on the coding strand, the complement: HCN4 is on the minus strand). VCF-style: chr15-73322705-C-T. GRCh37 (hg19) VCF-style: chr15-73615046-C-T.
Other names: short protein forms G1130R.
Identifiers: ClinVar variation 447481 (VCV000447481.8), dbSNP rs1326171404, ClinGen allele CA393085425.

ClinVar aggregate classification (germline): Uncertain significance. Review status: criteria provided, multiple submitters, no conflicts (2 of 4 stars). 2 submissions from 2 submitters: Uncertain significance (2). Last evaluated 2025-05-02.

Conditions:
Brugada syndrome 8 (BRGDA8). Identifiers: Orphanet 130, MedGen C2751083, MONDO:0013148, OMIM 613123.

Allele frequency attached by ClinVar (database versions not stated): gnomAD exomes 0.00001 and below 0.00001; TOPMed 0.00001.
gnomAD v4.1: 1 of 1,571,434 alleles (0.000064%); highest among the groups gnomAD compares: Admixed American, 0.0019%; no homozygotes.

Submissions (2):

Labcorp Genetics (formerly Invitae), Labcorp
Classification: Uncertain significance for Brugada syndrome 8. Last evaluated: 2025-05-02. Review status: criteria provided, single submitter. Criteria: Invitae Variant Classification Sherloc (09022015). Collection method: clinical testing. Allele origin: germline.
Comment: This sequence change replaces glycine, which is neutral and non-polar, with arginine, which is basic and polar, at codon 1130 of the HCN4 protein (p.Gly1130Arg). This variant is present in population databases (no rsID available, gnomAD 0.004%). This variant has not been reported in the literature in individuals affected with HCN4-related conditions. ClinVar contains an entry for this variant (Variation ID: 447481). Invitae Evidence Modeling of protein sequence and biophysical properties (such as structural, functional, and spatial information, amino acid conservation, physicochemical variation, residue mobility, and thermodynamic stability) has been performed for this missense variant. However, the output from this modeling did not meet the statistical confidence thresholds required to predict the impact of this variant on HCN4 protein function. In summary, the available evidence is currently insufficient to determine the role of this variant in disease. Therefore, it has been classified as a Variant of Uncertain Significance.

Athena Diagnostics
Classification: Uncertain significance. Last evaluated: 2017-07-03. Review status: criteria provided, single submitter. Criteria: Athena Diagnostics Criteria. Collection method: clinical testing. Allele origin: germline.